The following is an entry in ClinVar:

NM_001876.4(CPT1A):c.1493A>G (p.Tyr498Cys)

Gene: CPT1A (carnitine palmitoyltransferase 1A; minus strand). Cytogenetic location: 11q13.3.
Variant type: single nucleotide variant.
Coding change: c.1493A>G on transcript NM_001876.4 (MANE Select); coding-DNA position 1493, A replaced by G.
Protein change: p.Tyr498Cys; replaces tyrosine 498 with cysteine.
Molecular consequence: missense variant.
Genome position (GRCh38, 1-based): chr11:68,775,398, T>C on the plus strand (A>G on the coding strand, the complement: CPT1A is on the minus strand). VCF-style: chr11-68775398-T-C. GRCh37 (hg19) VCF-style: chr11-68542866-T-C.
Other names: c.1493A>G, p.Tyr498Cys (NM_001031847.3); short protein forms Y498C.
Identifiers: ClinVar variation 9066 (VCV000009066.14), dbSNP rs80356791, ClinGen allele CA340856.

ClinVar aggregate classification (germline): Likely pathogenic. Review status: criteria provided, single submitter (1 of 4 stars). 4 submissions from 4 submitters: Likely pathogenic (1). 3 of the submissions do not count toward it. Last evaluated 2025-10-01.

Conditions:
Carnitine palmitoyl transferase 1A deficiency. Also called: Carnitine palmitoyltransferase 1A deficiency; Carnitine palmitoyltransferase type I deficiency; CPT I DEFICIENCY; CPT DEFICIENCY, HEPATIC, TYPE I; CPT deficiency, hepatic, type IA. Identifiers: Orphanet 156, MedGen C1829703, MONDO:0009705, OMIM 255120.

Allele frequency attached by ClinVar (database versions not stated): gnomAD exomes below 0.00001; ExAC 0.00001.
gnomAD v4.1: 2 of 1,614,224 alleles (0.00012%); highest among the groups gnomAD compares: South Asian, 0.0011%; no homozygotes.

Submissions (4):

Labcorp Genetics (formerly Invitae), Labcorp
Classification: Likely pathogenic for Carnitine palmitoyl transferase 1A deficiency. Last evaluated: 2025-10-01. Review status: criteria provided, single submitter. Criteria: Invitae Variant Classification Sherloc (09022015). Collection method: clinical testing. Allele origin: germline.
Comment: This sequence change replaces tyrosine, which is neutral and polar, with cysteine, which is neutral and slightly polar, at codon 498 of the CPT1A protein (p.Tyr498Cys). This variant is present in population databases (rs80356791, gnomAD 0.003%). This missense change has been observed in individual(s) with CPT1 deficiency (PMID: 12189492). In at least one individual the data is consistent with being in trans (on the opposite chromosome) from a pathogenic variant. ClinVar contains an entry for this variant (Variation ID: 9066). Invitae Evidence Modeling of protein sequence and biophysical properties (such as structural, functional, and spatial information, amino acid conservation, physicochemical variation, residue mobility, and thermodynamic stability) has been performed for this missense variant. However, the output from this modeling did not meet the statistical confidence thresholds required to predict the impact of this variant on CPT1A protein function. Experimental studies have shown that this missense change affects CPT1A function (PMID: 14517221). This variant disrupts the p.Tyr498 amino acid residue in CPT1A. Other variant(s) that disrupt this residue have been observed in individuals with CPT1A-related conditions (PMID: 21962599), which suggests that this may be a clinically significant amino acid residue. In summary, the currently available evidence indicates that the variant is pathogenic, but additional data are needed to prove that conclusively. Therefore, this variant has been classified as Likely Pathogenic.

Counsyl
Classification: Uncertain significance for Carnitine palmitoyl transferase 1A deficiency. Last evaluated: 2017-02-10. Review status: no assertion criteria provided. Collection method: clinical testing. Allele origin: unknown. Not counted in ClinVar's aggregate classification.

OMIM
Classification: Pathogenic for CARNITINE PALMITOYLTRANSFERASE IA DEFICIENCY. Last evaluated: 2003-12-12. Review status: no assertion criteria provided. Collection method: literature only. Allele origin: germline. Not counted in ClinVar's aggregate classification.

GeneReviews
No classification provided. Condition: Carnitine palmitoyl transferase 1A deficiency. Review status: no classification provided. Collection method: literature only. Allele origin: germline. Not counted in ClinVar's aggregate classification.

Literature cited by the submitters: PubMed 12189492 (cited by 3 submitters); PubMed 14517221 (cited by 3 submitters); PubMed 21962599 (cited by Labcorp Genetics (formerly Invitae), Labcorp); NCBI Bookshelf NBK1527 (cited by GeneReviews).